The following is an entry in ClinVar:

NM_001371596.2(MFSD8):c.1351-9C>T

Gene: MFSD8 (major facilitator superfamily domain containing 8; minus strand). Cytogenetic location: 4q28.2.
Variant type: single nucleotide variant.
Coding change: c.1351-9C>T on transcript NM_001371596.2 (MANE Select); 9 bases into the intron before coding-DNA position 1351, C replaced by T.
Molecular consequence: intron variant. On other transcripts: 3 prime UTR variant (1).
Genome position (GRCh38, 1-based): chr4:127,920,845, G>A on the plus strand (C>T on the coding strand, the complement: MFSD8 is on the minus strand). VCF-style: chr4-127920845-G-A. GRCh37 (hg19) VCF-style: chr4-128842000-G-A.
Other names: c.*914C>T (NM_001410766.1); c.1069-9C>T (NM_001371595.1); c.901-9C>T (NM_001410765.1); c.1216-9C>T (NM_001371590.2); c.1351-9C>T (NM_152778.4); c.1036-9C>T (NM_001363521.3); c.1237-9C>T (NM_001371593.2); c.1150-9C>T (NM_001363520.3); and 3 more.
Identifiers: ClinVar variation 138227 (VCV000138227.26), dbSNP rs75039907, ClinGen allele CA292095.

ClinVar aggregate classification (germline): Benign/Likely benign. Review status: criteria provided, multiple submitters, no conflicts (2 of 4 stars). 9 submissions from 9 submitters: Benign (5); Likely benign (1). 3 of the submissions do not count toward it. Last evaluated 2026-02-03.

Conditions:
Late-infantile neuronal ceroid lipofuscinosis. Also called: Jansky-Bielschowsky disease. Identifiers: MedGen C0022340, MONDO:0015674.
Macular dystrophy with central cone involvement (CCMD). Identifiers: MedGen C4015371, MONDO:0014515, OMIM 616170.
Neuronal ceroid lipofuscinosis 7 (CLN7). Also called: MFSD8-Related Neuronal Ceroid-Lipofuscinosis. Identifiers: Orphanet 168491, Orphanet 228366, MedGen C1838571, MONDO:0012588, OMIM 610951.

Allele frequency attached by ClinVar (database versions not stated): TOPMed 0.00656; 1000 Genomes Project 0.00719; 1000 Genomes Project 30x 0.00734; ESP Exome Variant Server 0.00738.
gnomAD v4.1: 1,704 of 1,612,396 alleles (0.11%); highest among the groups gnomAD compares: African/African-American, 2.1%; 24 homozygotes.

Submissions (9):

Labcorp Genetics (formerly Invitae), Labcorp
Classification: Benign for Neuronal ceroid lipofuscinosis 7. Last evaluated: 2026-02-03. Review status: criteria provided, single submitter. Criteria: Invitae Variant Classification Sherloc (09022015). Collection method: clinical testing. Allele origin: germline.

ARUP Laboratories, Molecular Genetics and Genomics, ARUP Laboratories
Classification: Benign. Last evaluated: 2025-04-30. Review status: criteria provided, single submitter. Criteria: ARUP Molecular Germline Variant Investigation Process 2024. Collection method: clinical testing. Allele origin: germline.

Fulgent Genetics
Classification: Likely benign for Neuronal ceroid lipofuscinosis 7; Macular dystrophy with central cone involvement. Last evaluated: 2022-05-20. Review status: criteria provided, single submitter. Criteria: ACMG Guidelines, 2015. Collection method: clinical testing. Allele origin: unknown.

Illumina Laboratory Services, Illumina
Classification: Benign for Neuronal ceroid lipofuscinosis 7. Last evaluated: 2018-01-13. Review status: criteria provided, single submitter. Criteria: ICSL Variant Classification Criteria 13 December 2019. Collection method: clinical testing. Allele origin: germline.
Comment: This variant was observed in the ICSL laboratory as part of a predisposition screen in an ostensibly healthy population. It had not been previously curated by ICSL or reported in the Human Gene Mutation Database (HGMD: prior to June 1st, 2018), and was therefore a candidate for classification through an automated scoring system. Utilizing variant allele frequency, disease prevalence and penetrance estimates, and inheritance mode, an automated score was calculated to assess if this variant is too frequent to cause the disease. Based on the score and internal cut-off values, a variant classified as benign is not then subjected to further curation. The score for this variant resulted in a classification of benign for this disease.

Genome Diagnostics Laboratory, University Medical Center Utrecht
Classification: Benign for Neuronal ceroid lipofuscinosis 7. Last evaluated: 2014-11-28. Review status: criteria provided, single submitter. Criteria: ACGS Guidelines, 2013. Collection method: clinical testing. Allele origin: germline. Affected: yes. Study: VKGL Data-share Consensus.

GeneDx
Classification: Benign. Last evaluated: 2013-02-20. Review status: criteria provided, single submitter. Criteria: GeneDx Variant Classification (06012015). Collection method: clinical testing. Allele origin: germline. Affected: yes.
Comment: This variant is considered likely benign or benign based on one or more of the following criteria: it is a conservative change, it occurs at a poorly conserved position in the protein, it is predicted to be benign by multiple in silico algorithms, and/or has population frequency not consistent with disease.

Natera, Inc.
Classification: Benign for Late-infantile neuronal ceroid lipofuscinosis. Last evaluated: 2020-09-16. Review status: no assertion criteria provided. Collection method: clinical testing. Allele origin: germline. Not counted in ClinVar's aggregate classification.

Mayo Clinic Laboratories, Mayo Clinic
Classification: Benign. Last evaluated: 2017-09-20. Review status: no assertion criteria provided. Collection method: clinical testing. Allele origin: unknown. Not counted in ClinVar's aggregate classification.

Clinical Genetics, Academic Medical Center
Classification: Benign. Review status: no assertion criteria provided. Collection method: clinical testing. Allele origin: germline. Affected: yes. Study: VKGL Data-share Consensus. Not counted in ClinVar's aggregate classification.